The following is an entry in ClinVar:

ClinVar aggregate classification (germline): Pathogenic (1 of 4 stars; one submission).

Conditions:
Tuberous sclerosis 2 (TSC2). Identifiers: Orphanet 805, MedGen C1860707, MONDO:0013199, OMIM 613254.

Submission:

MVZ Medizinische Genetik Mainz
Classification: Pathogenic for Tuberous sclerosis 2. Last evaluated: 2024-10-07. Review status: criteria provided, single submitter. Criteria: UK Practice Guidelines For Variant Classification V4 01 2020. Collection method: clinical testing. Allele origin: germline. Inheritance: Autosomal dominant inheritance. Affected: yes. Observed: 1 variant allele.
Comment: ACMG Criteria: PVS1,PM2_SUP,PP4

NM_000548.5(TSC2):c.1807_1808del (p.Thr603fs)

Gene: TSC2 (TSC complex subunit 2; plus strand). Cytogenetic location: 16p13.3.
Variant type: Microsatellite.
Coding change: c.1807_1808del on transcript NM_000548.5 (MANE Select); coding-DNA positions 1807 to 1808, 2 bases deleted (AC; older notation c.1807_1808delAC).
Protein change: p.Thr603fs; shifts the reading frame from threonine 603.
Molecular consequence: frameshift variant. On other transcripts: non-coding transcript variant (5).
Genome position (GRCh38, 1-based): chr16:2,070,546-2,070,547, AC deleted; deleting any 2 consecutive bases within chr16:2,070,544-2,070,547 gives the same sequence; the c. name uses the placement nearest the transcript's 3' end. VCF-style (leftmost placement, unchanged base first): chr16-2070543-TAC-T. GRCh37 (hg19) VCF-style: chr16-2120544-TAC-T.
Other names: c.1660_1661del, p.Thr554fs (NM_001406679.1, NM_001318829.2, NM_001406675.1 and 1 more transcripts); c.1207_1208del, p.Thr403fs (NM_001406680.1, NM_001406682.1, NM_001406683.1 and 6 more transcripts); c.1345_1346del, p.Thr449fs (NM_001406681.1); c.1807_1808del, p.Thr603fs (NM_001077183.3, NM_001114382.3, NM_001363528.2 and 6 more transcripts); c.1696_1697del, p.Thr566fs (NM_001318827.2, NM_001406670.1, NM_001406678.1); c.1840_1841del, p.Thr614fs (NM_001318832.2); c.1897_1898del, p.Thr633fs (NM_001406667.1, NM_001406668.1); c.1795_1796del, p.Thr599fs (NM_001406671.1, NM_001406673.1); and 3 more; short protein forms T155fs, T403fs, T449fs, T554fs, T566fs, T584fs, T599fs, T603fs.
Identifiers: ClinVar variation 3370313 (VCV003370313.1).